The following is an entry in ClinVar:

NM_001348800.3(ZBTB20):c.2129C>T (p.Thr710Met)

Gene: ZBTB20 (zinc finger and BTB domain containing 20; minus strand). Cytogenetic location: 3q13.31.
Variant type: single nucleotide variant.
Coding change: c.2129C>T on transcript NM_001348800.3 (MANE Select); coding-DNA position 2129, C replaced by T.
Protein change: p.Thr710Met; replaces threonine 710 with methionine.
Molecular consequence: missense variant. On other transcripts: non-coding transcript variant (1).
Genome position (GRCh38, 1-based): chr3:114,339,102, G>A on the plus strand (C>T on the coding strand, the complement: ZBTB20 is on the minus strand). VCF-style: chr3-114339102-G-A. GRCh37 (hg19) VCF-style: chr3-114057949-G-A.
Other names: c.2129C>T, p.Thr710Met (NM_001164342.2, NM_001393393.1, NM_001393394.1 and 1 more transcripts); c.1910C>T, p.Thr637Met (NM_001164343.2, NM_001393395.1, NM_001393396.1 and 9 more transcripts); short protein forms T710M, T637M.
Identifiers: ClinVar variation 2956518 (VCV002956518.3), dbSNP rs2550436826, ClinGen allele CA353999265.
Genomic context (GRCh38, chr3:114,339,102, plus strand): 5'-AACTGCTCGATTTGGTCAAACTTTGCTGGGCAGACGGAGCAGACGTAAGTGGTCCCCTCC[G>A]TGCAGGCCACCACGCCTGGGGGGCCAGCGCGGGCACCTGGGGGTGTGCCTGCAGGGGGGG-3'
Protein context (NP_001335729.1, residues 700-720): RAGPPGVVAC[Thr710Met]EGTTYVCSVC

ClinVar aggregate classification (germline): Uncertain significance (1 of 4 stars; one submission).

Allele frequency attached by ClinVar (database versions not stated): gnomAD exomes below 0.00001.
gnomAD v4.1: 2 of 1,603,662 alleles (0.00012%); highest among the groups gnomAD compares: East Asian, 0.0022%; no homozygotes.

Submission:

Labcorp Genetics (formerly Invitae), Labcorp
Classification: Uncertain significance. Last evaluated: 2025-02-11. Review status: criteria provided, single submitter. Criteria: Invitae Variant Classification Sherloc (09022015). Collection method: clinical testing. Allele origin: germline.
Comment: This sequence change replaces threonine, which is neutral and polar, with methionine, which is neutral and non-polar, at codon 710 of the ZBTB20 protein (p.Thr710Met). This variant is not present in population databases (gnomAD no frequency). This variant has not been reported in the literature in individuals affected with ZBTB20-related conditions. ClinVar contains an entry for this variant (Variation ID: 2956518). Invitae Evidence Modeling of protein sequence and biophysical properties (such as structural, functional, and spatial information, amino acid conservation, physicochemical variation, residue mobility, and thermodynamic stability) indicates that this missense variant is not expected to disrupt ZBTB20 protein function with a negative predictive value of 95%. In summary, the available evidence is currently insufficient to determine the role of this variant in disease. Therefore, it has been classified as a Variant of Uncertain Significance.